The following is an entry in ClinVar:

NM_000368.5(TSC1):c.932C>G (p.Pro311Arg)

Gene: TSC1 (TSC complex subunit 1; minus strand). Cytogenetic location: 9q34.13.
Variant type: single nucleotide variant.
Coding change: c.932C>G on transcript NM_000368.5 (MANE Select); coding-DNA position 932, C replaced by G.
Protein change: p.Pro311Arg; replaces proline 311 with arginine.
Molecular consequence: missense variant.
Genome position (GRCh38, 1-based): chr9:132,911,550, G>C on the plus strand (C>G on the coding strand, the complement: TSC1 is on the minus strand). VCF-style: chr9-132911550-G-C. GRCh37 (hg19) VCF-style: chr9-135786937-G-C.
Other names: c.932C>G, p.Pro311Arg (NM_001162426.2); c.779C>G, p.Pro260Arg (NM_001162427.2); c.569C>G, p.Pro190Arg (NM_001362177.2); short protein forms P311R, P190R, P260R.
Identifiers: ClinVar variation 231741 (VCV000231741.24), dbSNP rs776158460, ClinGen allele CA039782.

ClinVar aggregate classification (germline): Conflicting classifications of pathogenicity. Review status: criteria provided, conflicting classifications (1 of 4 stars). 7 submissions from 7 submitters: Uncertain significance (2); Likely benign (4). 1 of the submissions does not count toward it. Last evaluated 2025-11-28.

Conditions:
Hereditary cancer-predisposing syndrome. Also called: Hereditary Cancer Syndrome; Neoplastic Syndromes, Hereditary; Tumor predisposition; Hereditary neoplastic syndrome. Identifiers: Orphanet 140162, MedGen C0027672, MeSH D009386, MONDO:0015356.
TSC1-related disorder. Also called: TSC1-related condition.
Tuberous sclerosis syndrome (TSC). Also called: Tuberous sclerosis; Tuberous Sclerosis Complex. Identifiers: Orphanet 805, MedGen C0041341, MONDO:0001734.
Tuberous sclerosis 1 (TSC1). Identifiers: Orphanet 805, MedGen C1854465, MONDO:0008612, OMIM 191100.

Allele frequency attached by ClinVar (database versions not stated): gnomAD exomes 0.00001 and 0.00004; gnomAD 0.00003; ExAC 0.00007.

Submissions (7):

Labcorp Genetics (formerly Invitae), Labcorp
Classification: Likely benign for Tuberous sclerosis 1. Last evaluated: 2025-11-28. Review status: criteria provided, single submitter. Criteria: Invitae Variant Classification Sherloc (09022015). Collection method: clinical testing. Allele origin: germline.

Myriad Genetics, Inc.
Classification: Likely benign for Tuberous sclerosis 1. Last evaluated: 2025-04-09. Review status: criteria provided, single submitter. Criteria: Myriad Autosomal Dominant, Autosomal Recessive and X-Linked Classification Criteria (2023). Collection method: clinical testing. Allele origin: unknown.
Comment: This variant is considered likely benign. This variant has been observed at a population frequency that is significantly greater than expected given the associated disease prevalence and penetrance.

All of Us Research Program, National Institutes of Health
Classification: Uncertain significance for Tuberous sclerosis syndrome. Last evaluated: 2024-03-24. Review status: criteria provided, single submitter. Criteria: ACMG Guidelines, 2015. Collection method: clinical testing. Allele origin: germline. Inheritance: Autosomal dominant inheritance. Observed: 3 variant alleles, 3 heterozygotes.
Comment: This missense variant replaces proline with arginine at codon 311 of the TSC1 protein. Computational prediction suggests that this variant may have deleterious impact on protein structure and function (internally defined REVEL score threshold >= 0.7, PMID: 27666373). To our knowledge, functional studies have not been reported for this variant. This variant has not been reported in individuals affected with TSC1-related disorders in the literature. This variant has been identified in 12/282116 chromosomes in the general population by the Genome Aggregation Database (gnomAD). The available evidence is insufficient to determine the role of this variant in disease conclusively. Therefore, this variant is classified as a Variant of Uncertain Significance.

This study involves interpretation of variants in research participants for the purpose of population health screening. Participant phenotype was not available at the time of variant classification. Additional details can be found in publication PMID: 35346344, PMCID: PMC8962531

Color Diagnostics, LLC DBA Color Health
Classification: Uncertain significance for Tuberous sclerosis syndrome. Last evaluated: 2024-03-07. Review status: criteria provided, single submitter. Criteria: ACMG Guidelines, 2015. Collection method: clinical testing. Allele origin: germline.
Comment: This missense variant replaces proline with arginine at codon 311 of the TSC1 protein. Computational prediction suggests that this variant may have deleterious impact on protein structure and function (internally defined REVEL score threshold >= 0.7, PMID: 27666373). To our knowledge, functional studies have not been reported for this variant. This variant has not been reported in individuals affected with TSC1-related disorders in the literature. This variant has been identified in 12/282116 chromosomes in the general population by the Genome Aggregation Database (gnomAD). The available evidence is insufficient to determine the role of this variant in disease conclusively. Therefore, this variant is classified as a Variant of Uncertain Significance.

Ambry Genetics
Classification: Likely benign for Hereditary cancer-predisposing syndrome. Last evaluated: 2022-02-14. Review status: criteria provided, single submitter. Criteria: Ambry Variant Classification Scheme 2023. Collection method: clinical testing. Allele origin: germline.

Genome-Nilou Lab
Classification: Likely benign for Tuberous sclerosis 1. Last evaluated: 2021-11-07. Review status: criteria provided, single submitter. Criteria: ACMG Guidelines, 2015. Collection method: clinical testing. Allele origin: germline. Affected: no.

PreventionGenetics, part of Exact Sciences
Classification: Uncertain significance for TSC1-related condition. Last evaluated: 2024-08-15. Review status: no assertion criteria provided. Collection method: clinical testing. Allele origin: germline. Not counted in ClinVar's aggregate classification.
Comment: The TSC1 c.932C>G variant is predicted to result in the amino acid substitution p.Pro311Arg. To our knowledge, this variant has not been reported in the literature. This variant is reported in 0.020% of alleles in individuals of African descent in gnomAD. In ClinVar, this variant is interpreted as likely benign/uncertain. Although we suspect that this variant may be benign, at this time, the clinical significance of this variant is uncertain due to the absence of conclusive functional and genetic evidence.